The following is an entry in ClinVar:

ClinVar aggregate classification (germline): Likely benign. Review status: criteria provided, single submitter (1 of 4 stars). 2 submissions from 2 submitters: Likely benign (1). 1 of the submissions does not count toward it. Last evaluated 2025-01-06.

Conditions:
NIN-related disorder. Also called: NIN-related condition.

Allele frequency attached by ClinVar (database versions not stated): ExAC 0.00001; TOPMed 0.00001; gnomAD exomes 0.00002.
gnomAD v4.1: 24 of 1,614,212 alleles (0.0015%); highest among the groups gnomAD compares: Non-Finnish European, 0.0019%; no homozygotes.

Submissions (2):

Labcorp Genetics (formerly Invitae), Labcorp
Classification: Likely benign. Last evaluated: 2025-01-06. Review status: criteria provided, single submitter. Criteria: Invitae Variant Classification Sherloc (09022015). Collection method: clinical testing. Allele origin: germline.

PreventionGenetics, part of Exact Sciences
Classification: Likely benign for NIN-related condition. Last evaluated: 2019-02-26. Review status: no assertion criteria provided. Collection method: clinical testing. Allele origin: germline. Not counted in ClinVar's aggregate classification.
Comment: This variant is classified as likely benign based on ACMG/AMP sequence variant interpretation guidelines (Richards et al. 2015 PMID: 25741868, with internal and published modifications).

NM_020921.4(NIN):c.1317A>G (p.Lys439=)

Gene: NIN (ninein; minus strand). Cytogenetic location: 14q22.1.
Variant type: single nucleotide variant.
Coding change: c.1317A>G on transcript NM_020921.4 (MANE Select); coding-DNA position 1317, A replaced by G.
Protein change: p.Lys439=; no amino-acid change (lysine 439 retained).
Molecular consequence: synonymous variant.
Genome position (GRCh38, 1-based): chr14:50,770,505, T>C on the plus strand (A>G on the coding strand, the complement: NIN is on the minus strand). VCF-style: chr14-50770505-T-C. GRCh37 (hg19) VCF-style: chr14-51237223-T-C.
Other names: c.1317A>G, p.Lys439= (NM_016350.5, NM_182944.3, NM_182946.2).
Identifiers: ClinVar variation 742598 (VCV000742598.8), dbSNP rs767330160, ClinGen allele CA7182224.